The following is an entry in ClinVar:

NM_002474.3(MYH11):c.790+28T>C

Gene: MYH11 (myosin heavy chain 11; minus strand). Cytogenetic location: 16p13.11.
Variant type: single nucleotide variant.
Coding change: c.790+28T>C on transcript NM_002474.3 (MANE Select); 28 bases into the intron after coding-DNA position 790, T replaced by C.
Molecular consequence: intron variant.
Genome position (GRCh38, 1-based): chr16:15,778,752, A>G on the plus strand (T>C on the coding strand, the complement: MYH11 is on the minus strand). VCF-style: chr16-15778752-A-G. GRCh37 (hg19) VCF-style: chr16-15872609-A-G.
Other names: c.790+28T>C (NM_022844.3); c.811+28T>C (NM_001040114.2, NM_001040113.2).
Identifiers: ClinVar variation 671006 (VCV000671006.2), dbSNP rs2075514, ClinGen allele CA7922817.

ClinVar aggregate classification (germline): Benign. Review status: criteria provided, multiple submitters, no conflicts (2 of 4 stars). 2 submissions from 2 submitters: Benign (2). Last evaluated 2018-06-19.

Allele frequency attached by ClinVar (database versions not stated): TOPMed 0.18675; 1000 Genomes Project 30x 0.19269; gnomAD exomes 0.19434 and 0.19685; gnomAD 0.19435 and 0.19492; ExAC 0.19603; ESP Exome Variant Server 0.19617; 1000 Genomes Project 0.19788.

Submissions (2):

GeneDx
Classification: Benign. Last evaluated: 2018-06-19. Review status: criteria provided, single submitter. Criteria: GeneDx Variant Classification (06012015). Collection method: clinical testing. Allele origin: germline. Affected: yes.
Comment: This variant is considered likely benign or benign based on one or more of the following criteria: it is a conservative change, it occurs at a poorly conserved position in the protein, it is predicted to be benign by multiple in silico algorithms, and/or has population frequency not consistent with disease.

Breakthrough Genomics
Classification: Benign. Review status: criteria provided, single submitter. Criteria: ACMG Guidelines, 2015. Collection method: not provided. Allele origin: germline. Inheritance: Autosomal recessive inheritance. Affected: yes.